The following is an entry in ClinVar:

ClinVar aggregate classification (germline): Uncertain significance. Review status: criteria provided, multiple submitters, no conflicts (2 of 4 stars). 2 submissions from 2 submitters: Uncertain significance (2). Last evaluated 2025-04-30.

Conditions:
Hereditary cancer-predisposing syndrome. Also called: Neoplastic Syndromes, Hereditary; Hereditary neoplastic syndrome; Hereditary Cancer Syndrome; Tumor predisposition. Identifiers: Orphanet 140162, MedGen C0027672, MeSH D009386, MONDO:0015356.
Tuberous sclerosis 2 (TSC2). Identifiers: Orphanet 805, MedGen C1860707, MONDO:0013199, OMIM 613254.

Submissions (2):

Labcorp Genetics (formerly Invitae), Labcorp
Classification: Uncertain significance for Tuberous sclerosis 2. Last evaluated: 2025-04-30. Review status: criteria provided, single submitter. Criteria: Invitae Variant Classification Sherloc (09022015). Collection method: clinical testing. Allele origin: germline.
Comment: This sequence change replaces valine, which is neutral and non-polar, with isoleucine, which is neutral and non-polar, at codon 1199 of the TSC2 protein (p.Val1199Ile). This variant is not present in population databases (gnomAD no frequency). This missense change has been observed in individual(s) with clinical features of tuberous sclerosis complex (PMID: 28087349). ClinVar contains an entry for this variant (Variation ID: 653547). Invitae Evidence Modeling of protein sequence and biophysical properties (such as structural, functional, and spatial information, amino acid conservation, physicochemical variation, residue mobility, and thermodynamic stability) indicates that this missense variant is not expected to disrupt TSC2 protein function with a negative predictive value of 95%. In summary, the available evidence is currently insufficient to determine the role of this variant in disease. Therefore, it has been classified as a Variant of Uncertain Significance.

Ambry Genetics
Classification: Uncertain significance for Hereditary cancer-predisposing syndrome. Last evaluated: 2022-09-07. Review status: criteria provided, single submitter. Criteria: Ambry Variant Classification Scheme 2023. Collection method: clinical testing. Allele origin: germline.
Comment: The p.V1199I variant (also known as c.3595G>A), located in coding exon 29 of the TSC2 gene, results from a G to A substitution at nucleotide position 3595. The valine at codon 1199 is replaced by isoleucine, an amino acid with highly similar properties. This amino acid position is well conserved in available vertebrate species. In addition, the in silico prediction for this alteration is inconclusive. Since supporting evidence is limited at this time, the clinical significance of this alteration remains unclear.

Literature cited by the submitters: PubMed 28087349 (cited by Labcorp Genetics (formerly Invitae), Labcorp).

NM_000548.5(TSC2):c.3595G>A (p.Val1199Ile)

Gene: TSC2 (TSC complex subunit 2; plus strand). Cytogenetic location: 16p13.3.
Variant type: single nucleotide variant.
Coding change: c.3595G>A on transcript NM_000548.5 (MANE Select); coding-DNA position 3595, G replaced by A.
Protein change: p.Val1199Ile; replaces valine 1199 with isoleucine.
Molecular consequence: missense variant.
Genome position (GRCh38, 1-based): chr16:2,080,362, G>A. VCF-style: chr16-2080362-G-A. GRCh37 (hg19) VCF-style: chr16-2130363-G-A.
Other names: c.3463G>A, p.Val1155Ile (NM_001077183.3, NM_001370404.1); c.3595G>A, p.Val1199Ile (NM_001114382.3); c.3355G>A, p.Val1119Ile (NM_001318827.2); c.3319G>A, p.Val1107Ile (NM_001318829.2); c.2863G>A, p.Val955Ile (NM_001318831.2); c.3496G>A, p.Val1166Ile (NM_001318832.2); c.3466G>A, p.Val1156Ile (NM_001363528.2, NM_001370405.1, NM_021055.3); short protein forms V1107I, V1119I, V1166I, V1155I, V1156I, V1199I, V955I.
Identifiers: ClinVar variation 653547 (VCV000653547.9), dbSNP rs1596390891, ClinGen allele CA394289695.